The following is an entry in ClinVar:

NM_001358921.2(COQ2):c.625T>C (p.Leu209=)

Gene: COQ2 (coenzyme Q2, polyprenyltransferase; minus strand). Cytogenetic location: 4q21.23.
Variant type: single nucleotide variant.
Coding change: c.625T>C on transcript NM_001358921.2 (MANE Select); coding-DNA position 625, T replaced by C.
Protein change: p.Leu209=; no amino-acid change (leucine 209 retained).
Molecular consequence: synonymous variant.
Genome position (GRCh38, 1-based): chr4:83,272,090, A>G on the plus strand (T>C on the coding strand, the complement: COQ2 is on the minus strand). VCF-style: chr4-83272090-A-G. GRCh37 (hg19) VCF-style: chr4-84193243-A-G.
Other names: p.Leu259=; c.775T>C, p.Leu259= (NM_015697.9).
Identifiers: ClinVar variation 377740 (VCV000377740.16), dbSNP rs367968754, ClinGen allele CA2988546.
Genomic context (GRCh38, chr4:83,272,090, plus strand): 5'-CATAAAAGTGTAGTTTGCAAATATCAAAGGAAATACTTTTAGTTATTGTAAGCTCACCCA[A>G]GGCTAGTTGAGGCCAGTATGAAATTCTTTTCATTAGTGGGTAGGTGATGACAAGAAGTAA-3'
Protein context (NP_001345850.1, residues 199-219): KRISYWPQLA[Leu209=]GLTFNWGALL

ClinVar aggregate classification (germline): Likely benign. Review status: criteria provided, multiple submitters, no conflicts (2 of 4 stars). 5 submissions from 5 submitters: Likely benign (5). Last evaluated 2025-12-30.

Conditions:
Coenzyme Q10 deficiency, primary, 1. Also called: UBIQUINONE DEFICIENCY 1; COENZYME Q DEFICIENCY 1; CoQ DEFICIENCY 1. Identifiers: Orphanet 255249, MedGen C3551954, MONDO:0011829, OMIM 607426.
Multiple system atrophy 1, susceptibility to. Also called: MSA1, SUSCEPTIBILITY TO. Identifiers: MedGen C3714927, MONDO:0020715, OMIM 146500.

Allele frequency attached by ClinVar (database versions not stated): gnomAD exomes 0.00003 and 0.00006; ExAC 0.00013; ESP Exome Variant Server 0.00025; TOPMed 0.00042; gnomAD 0.00043 and 0.00040; 1000 Genomes Project 30x 0.00047; 1000 Genomes Project 0.00040.
gnomAD v4.1: 104 of 1,596,850 alleles (0.0065%); highest among the groups gnomAD compares: African/African-American, 0.13%; no homozygotes.

Submissions (5):

Labcorp Genetics (formerly Invitae), Labcorp
Classification: Likely benign. Last evaluated: 2025-12-30. Review status: criteria provided, single submitter. Criteria: Invitae Variant Classification Sherloc (09022015). Collection method: clinical testing. Allele origin: germline.

Mayo Clinic Laboratories, Mayo Clinic
Classification: Likely benign. Last evaluated: 2024-11-13. Review status: criteria provided, single submitter. Criteria: ACMG Guidelines, 2015. Collection method: clinical testing. Allele origin: germline. Observed: 2 variant alleles.
Comment: BP4, BP7

Blueprint Genetics
Classification: Likely benign. Last evaluated: 2024-02-26. Review status: criteria provided, single submitter. Criteria: ACMG Guidelines, 2015. Collection method: clinical testing. Allele origin: germline.

Fulgent Genetics
Classification: Likely benign for Multiple system atrophy 1, susceptibility to; Coenzyme Q10 deficiency, primary, 1. Last evaluated: 2022-02-01. Review status: criteria provided, single submitter. Criteria: ACMG Guidelines, 2015. Collection method: clinical testing. Allele origin: unknown.

GeneDx
Classification: Likely benign. Last evaluated: 2021-05-10. Review status: criteria provided, single submitter. Criteria: GeneDx Variant Classification Process June 2021. Collection method: clinical testing. Allele origin: germline. Affected: yes.